The following is an entry in ClinVar:

ClinVar aggregate classification (germline): Uncertain significance (1 of 4 stars; one submission).

Conditions:
Bloom syndrome (BLM). Also called: Bloom-Torre-Machacek syndrome. Identifiers: Orphanet 125, MedGen C0005859, MONDO:0008876, OMIM 210900.

Submission:

Labcorp Genetics (formerly Invitae), Labcorp
Classification: Uncertain significance for Bloom syndrome. Last evaluated: 2024-08-05. Review status: criteria provided, single submitter. Criteria: Invitae Variant Classification Sherloc (09022015). Collection method: clinical testing. Allele origin: germline.
Comment: This sequence change replaces threonine, which is neutral and polar, with arginine, which is basic and polar, at codon 605 of the BLM protein (p.Thr605Arg). This variant is not present in population databases (gnomAD no frequency). This variant has not been reported in the literature in individuals affected with BLM-related conditions. An algorithm developed to predict the effect of missense changes on protein structure and function (PolyPhen-2) suggests that this variant is likely to be tolerated. In summary, the available evidence is currently insufficient to determine the role of this variant in disease. Therefore, it has been classified as a Variant of Uncertain Significance.

NM_000057.4(BLM):c.1814C>G (p.Thr605Arg)

Gene: BLM (BLM RecQ like helicase; plus strand). Cytogenetic location: 15q26.1.
Variant type: single nucleotide variant.
Coding change: c.1814C>G on transcript NM_000057.4 (MANE Select); coding-DNA position 1814, C replaced by G.
Protein change: p.Thr605Arg; replaces threonine 605 with arginine.
Molecular consequence: missense variant.
Genome position (GRCh38, 1-based): chr15:90,761,187, C>G. VCF-style: chr15-90761187-C-G. GRCh37 (hg19) VCF-style: chr15-91304417-C-G.
Other names: c.1814C>G, p.Thr605Arg (NM_001287246.2, NM_001287247.2); c.689C>G, p.Thr230Arg (NM_001287248.2); short protein forms T230R, T605R.
Identifiers: ClinVar variation 3626994 (VCV003626994.2).